The following is an entry in ClinVar:

ClinVar aggregate classification (germline): Likely pathogenic. Review status: criteria provided, multiple submitters, no conflicts (2 of 4 stars). 2 submissions from 2 submitters: Likely pathogenic (2). Last evaluated 2025-01-10.

Conditions:
Neonatal intrahepatic cholestasis due to citrin deficiency (CDNI). Also called: Neonatal-onset citrullinemia type II; Neonatal-onset citrullinemia type 2; Neonatal Intrahepatic Cholestasis Caused by Citrin Deficiency (NICCD); CITRIN DEFICIENCY, NEONATAL OR INFANTILE ONSET. Identifiers: Orphanet 247598, MedGen C1853942, MONDO:0011601, OMIM 605814.
Citrullinemia, type II, adult-onset (CDAA). Also called: CITRIN DEFICIENCY, ADOLESCENT OR ADULT ONSET. Identifiers: Orphanet 247585, MedGen CN295299, MONDO:0011326, OMIM 603471.

Allele frequency attached by ClinVar (database versions not stated): gnomAD exomes below 0.00001.

Submissions (2):

First Genomix Gene Laboratory, Genetic Diagnostics Department
Classification: Likely pathogenic for Citrullinemia, type II, adult-onset; Neonatal intrahepatic cholestasis due to citrin deficiency. Last evaluated: 2025-01-10. Review status: criteria provided, single submitter. Criteria: ACMG Guidelines, 2015. Collection method: clinical testing. Allele origin: germline. Inheritance: Autosomal recessive inheritance. Affected: no. Observed: 1 variant allele.

Baylor Genetics
Classification: Likely pathogenic for Citrullinemia, type II, adult-onset. Last evaluated: 2023-06-02. Review status: criteria provided, single submitter. Criteria: ACMG Guidelines, 2015. Collection method: clinical testing. Allele origin: unknown.

NM_014251.3(SLC25A13):c.1591+1G>A

Gene: SLC25A13 (solute carrier family 25 member 13; minus strand). Cytogenetic location: 7q21.3.
Variant type: single nucleotide variant.
Coding change: c.1591+1G>A on transcript NM_014251.3 (MANE Select); the canonical splice donor site of the intron after coding-DNA position 1591, G replaced by A.
Molecular consequence: splice donor variant.
Genome position (GRCh38, 1-based): chr7:96,131,742, C>T on the plus strand (G>A on the coding strand, the complement: SLC25A13 is on the minus strand). VCF-style: chr7-96131742-C-T. GRCh37 (hg19) VCF-style: chr7-95761054-C-T.
Other names: c.1594+1G>A (NM_001160210.2).
Identifiers: ClinVar variation 2678823 (VCV002678823.2), dbSNP rs1477219779, ClinGen allele CA368259314.